The following is an entry in ClinVar:

NM_006509.4(RELB):c.1174C>T (p.Pro392Ser)

Gene: RELB (RELB proto-oncogene, NF-kB subunit; plus strand). Cytogenetic location: 19q13.32.
Variant type: single nucleotide variant.
Coding change: c.1174C>T on transcript NM_006509.4 (MANE Select); coding-DNA position 1174, C replaced by T.
Protein change: p.Pro392Ser; replaces proline 392 with serine.
Molecular consequence: missense variant.
Genome position (GRCh38, 1-based): chr19:45,032,716, C>T. VCF-style: chr19-45032716-C-T. GRCh37 (hg19) VCF-style: chr19-45535974-C-T.
Other names: c.1174C>T (NM_006509.3); short protein forms P392S.
Identifiers: ClinVar variation 1522411 (VCV001522411.9), dbSNP rs1195927549, ClinGen allele CA406305738.
Genomic context (GRCh38, chr19:45,032,716, plus strand): 5'-GTCGAGCCCGTGACAGTCAACGTCTTCCTGCAGCGGCTCACCGATGGGGTCTGCAGCGAG[C>T]CATTGCCTTTCACGTACCTGCCTCGCGACCATGGTAACTACAGCAACCCAGGGTGACCCA-3'
Protein context (NP_006500.2, residues 382-402): QRLTDGVCSE[Pro392Ser]LPFTYLPRDH

ClinVar aggregate classification (germline): Uncertain significance. Review status: criteria provided, multiple submitters, no conflicts (2 of 4 stars). 2 submissions from 2 submitters: Uncertain significance (2). Last evaluated 2025-12-21.

Allele frequency attached by ClinVar (database versions not stated): gnomAD 0.00001; gnomAD exomes 0.00001 and 0.00003; TOPMed 0.00003.

Submissions (2):

Labcorp Genetics (formerly Invitae), Labcorp
Classification: Uncertain significance. Last evaluated: 2025-12-21. Review status: criteria provided, single submitter. Criteria: Invitae Variant Classification Sherloc (09022015). Collection method: clinical testing. Allele origin: germline.
Comment: This sequence change replaces proline, which is neutral and non-polar, with serine, which is neutral and polar, at codon 392 of the RELB protein (p.Pro392Ser). This variant is present in population databases (no rsID available, gnomAD 0.02%). This variant has not been reported in the literature in individuals affected with RELB-related conditions. ClinVar contains an entry for this variant (Variation ID: 1522411). An algorithm developed to predict the effect of missense changes on protein structure and function (PolyPhen-2) suggests that this variant is likely to be tolerated. In summary, the available evidence is currently insufficient to determine the role of this variant in disease. Therefore, it has been classified as a Variant of Uncertain Significance.

Ambry Genetics
Classification: Uncertain significance. Last evaluated: 2025-03-11. Review status: criteria provided, single submitter. Criteria: Ambry Variant Classification Scheme 2023. Collection method: clinical testing. Allele origin: germline.